The following is an entry in ClinVar:

ClinVar aggregate classification (germline): Likely benign (1 of 4 stars; one submission).

gnomAD v4.1: 1 of 1,614,152 alleles (0.000062%); highest among the groups gnomAD compares: Non-Finnish European, 0.000085%; no homozygotes.

Submission:

CeGaT Center for Human Genetics Tuebingen
Classification: Likely benign. Last evaluated: 2024-03-01. Review status: criteria provided, single submitter. Criteria: CeGaT Center For Human Genetics Tuebingen Variant Classification Criteria Version 2. Collection method: clinical testing. Allele origin: germline. Affected: yes. Observed: 1 variant allele.
Comment: PFKM: PM2:Supporting, BP4, BP7

NM_000289.6(PFKM):c.1035C>A (p.Arg345=)

Gene: PFKM (phosphofructokinase, muscle; plus strand). Cytogenetic location: 12q13.11.
Variant type: single nucleotide variant.
Coding change: c.1035C>A on transcript NM_000289.6 (MANE Select); coding-DNA position 1035, C replaced by A.
Protein change: p.Arg345=; no amino-acid change (arginine 345 retained).
Molecular consequence: synonymous variant. On other transcripts: non-coding transcript variant (6), intron variant (1).
Genome position (GRCh38, 1-based): chr12:48,137,819, C>A. VCF-style: chr12-48137819-C-A. GRCh37 (hg19) VCF-style: chr12-48531602-C-A.
Other names: c.1248C>A, p.Arg416= (NM_001166686.2, NM_001354737.1, NM_001354738.1 and 1 more transcripts); c.1035C>A, p.Arg345= (NM_001166687.2, NM_001166688.2, NM_001354742.2 and 2 more transcripts); c.1344C>A, p.Arg448= (NM_001354735.1, NM_001354736.1); c.1179C>A, p.Arg393= (NM_001354740.1); c.1059C>A, p.Arg353= (NM_001354741.2); c.948C>A, p.Arg316= (NM_001354745.2); c.885C>A, p.Arg295= (NM_001354747.2, NM_001354748.2); c.942C>A, p.Arg314= (NM_001363619.2); and 1 more.
Identifiers: ClinVar variation 3067697 (VCV003067697.21), dbSNP rs1244391267, ClinGen allele CA479454173.
Genomic context (GRCh38, chr12:48,137,819, plus strand): 5'-GGAGGGGACCCCAGATACCCCAGCCTGTGTAGTGAGCCTCTCTGGTAACCAGGCTGTGCG[C>A]CTGCCCCTCATGGAATGTGTCCAGGTGGTAAGTACTGATCCTAAACCCCTTTCTTAACAC-3'
Protein context (NP_000280.1, residues 335-355): VVSLSGNQAV[Arg345=]LPLMECVQVT